The following is an entry in ClinVar:

NM_004006.3(DMD):c.523A>C (p.Ser175Arg)

Gene: DMD (dystrophin; minus strand). Cytogenetic location: Xp21.1.
Variant type: single nucleotide variant.
Coding change: c.523A>C on transcript NM_004006.3 (MANE Select); coding-DNA position 523, A replaced by C.
Protein change: p.Ser175Arg; replaces serine 175 with arginine.
Molecular consequence: missense variant.
Genome position (GRCh38, 1-based): chrX:32,816,475, T>G on the plus strand (A>C on the coding strand, the complement: DMD is on the minus strand). VCF-style: chrX-32816475-T-G. GRCh37 (hg19) VCF-style: chrX-32834592-T-G.
Other names: c.499A>C, p.Ser167Arg (NM_000109.4); c.511A>C, p.Ser171Arg (NM_004009.3); c.154A>C, p.Ser52Arg (NM_004010.3); short protein forms S171R, S167R, S175R, S52R.
Identifiers: ClinVar variation 3689844 (VCV003689844.2).

ClinVar aggregate classification (germline): Uncertain significance (1 of 4 stars; one submission).

Conditions:
Duchenne muscular dystrophy (DMD). Also called: MUSCULAR DYSTROPHY, PSEUDOHYPERTROPHIC PROGRESSIVE, DUCHENNE TYPE; Duchenne Muscular Dystrophy (DMD). Identifiers: Orphanet 98896, MedGen C0013264, MONDO:0010679, OMIM 310200.

Submission:

Labcorp Genetics (formerly Invitae), Labcorp
Classification: Uncertain significance for Duchenne muscular dystrophy. Last evaluated: 2024-11-24. Review status: criteria provided, single submitter. Criteria: Invitae Variant Classification Sherloc (09022015). Collection method: clinical testing. Allele origin: germline.
Comment: This sequence change replaces serine, which is neutral and polar, with arginine, which is basic and polar, at codon 175 of the DMD protein (p.Ser175Arg). This variant is not present in population databases (gnomAD no frequency). This variant has not been reported in the literature in individuals affected with DMD-related conditions. Invitae Evidence Modeling of protein sequence and biophysical properties (such as structural, functional, and spatial information, amino acid conservation, physicochemical variation, residue mobility, and thermodynamic stability) indicates that this missense variant is not expected to disrupt DMD protein function with a negative predictive value of 95%. In summary, the available evidence is currently insufficient to determine the role of this variant in disease. Therefore, it has been classified as a Variant of Uncertain Significance.